The following is an entry in ClinVar:

NM_000059.4(BRCA2):c.8494G>T (p.Glu2832Ter)

Gene: BRCA2 (BRCA2 DNA repair associated; plus strand). Cytogenetic location: 13q13.1.
Variant type: single nucleotide variant.
Coding change: c.8494G>T on transcript NM_000059.4 (MANE Select); coding-DNA position 8494, G replaced by T.
Protein change: p.Glu2832Ter; replaces glutamic acid 2832 with a stop codon.
Molecular consequence: nonsense.
Genome position (GRCh38, 1-based): chr13:32,370,962, G>T. VCF-style: chr13-32370962-G-T. GRCh37 (hg19) VCF-style: chr13-32945099-G-T.
Other names: short protein forms E2832*.
Identifiers: ClinVar variation 481615 (VCV000481615.6), dbSNP rs876658951, ClinGen allele CA387752671.

ClinVar aggregate classification (germline): Pathogenic. Review status: criteria provided, multiple submitters, no conflicts (2 of 4 stars). 2 submissions from 2 submitters: Pathogenic (2). Last evaluated 2025-08-22.

Conditions:
Breast-ovarian cancer, familial, susceptibility to, 1 (BROVCA1). Also called: BRCA1 Hereditary Breast and Ovarian Cancer; OVARIAN CANCER, SUSCEPTIBILITY TO. Identifiers: Orphanet 145, MedGen C2676676, MONDO:0011450, OMIM 604370. Disease mechanism: loss of function.
Hereditary cancer-predisposing syndrome. Also called: Tumor predisposition; Hereditary Cancer Syndrome; Hereditary neoplastic syndrome; Neoplastic Syndromes, Hereditary. Identifiers: Orphanet 140162, MedGen C0027672, MeSH D009386, MONDO:0015356.

Submissions (2):

Institute of Immunology and Genetics Kaiserslautern
Classification: Pathogenic for Breast-ovarian cancer, familial, susceptibility to, 1. Last evaluated: 2025-08-22. Review status: criteria provided, single submitter. Criteria: ACMG Guidelines, 2015. Collection method: clinical testing. Allele origin: germline. Affected: yes.
Comment: ACMG Criteria: PVS1, PM2, PP5.

Ambry Genetics
Classification: Pathogenic for Hereditary cancer-predisposing syndrome. Last evaluated: 2017-09-01. Review status: criteria provided, single submitter. Criteria: Ambry Variant Classification Scheme 2023. Collection method: clinical testing. Allele origin: germline.
Comment: The p.E2832* pathogenic mutation (also known as c.8494G>T), located in coding exon 19 of the BRCA2 gene, results from a G to T substitution at nucleotide position 8494. This changes the amino acid from a glutamic acid to a stop codon within coding exon 19. This alteration is expected to result in loss of function by premature protein truncation or nonsense-mediated mRNA decay. As such, this alteration is interpreted as a disease-causing mutation.